The following is an entry in ClinVar:

NM_004213.5(SLC28A1):c.9C>T (p.Asn3=)

Gene: SLC28A1 (solute carrier family 28 member 1; plus strand). Cytogenetic location: 15q25.3.
Variant type: single nucleotide variant.
Coding change: c.9C>T on transcript NM_004213.5 (MANE Select); coding-DNA position 9, C replaced by T.
Protein change: p.Asn3=; no amino-acid change (asparagine 3 retained).
Molecular consequence: synonymous variant.
Genome position (GRCh38, 1-based): chr15:84,887,769, C>T. VCF-style: chr15-84887769-C-T. GRCh37 (hg19) VCF-style: chr15-85431000-C-T.
Other names: c.9C>T, p.Asn3= (NM_001287761.2, NM_001287762.2, NM_001321721.2 and 2 more transcripts); c.9C>T (NM_001287762.1).
Identifiers: ClinVar variation 776941 (VCV000776941.6), dbSNP rs8187737, ClinGen allele CA7710187.
Genomic context (GRCh38, chr15:84,887,769, plus strand): 5'-CTTTCAGCGTTGGGCGCTCCCTGATTTGTCTTTCAGCTGGAAGGTCTGGGACATGGAGAA[C>T]GACCCCTCGAGACGAAGAGAGTCCATCTCTCTCACACCTGTGGCCAAGGGTCTGGAGAAC-3'
Protein context (NP_004204.3, residues 1-13): ME[Asn3=]DPSRRRESIS

ClinVar aggregate classification (germline): Benign. Review status: criteria provided, multiple submitters, no conflicts (2 of 4 stars). 3 submissions from 3 submitters: Benign (2). 1 of the submissions does not count toward it. Last evaluated 2018-04-10.

Conditions:
SLC28A1-related disorder. Also called: SLC28A1-related condition.

Allele frequency attached by ClinVar (database versions not stated): 1000 Genomes Project 0.02536; TOPMed 0.02554; 1000 Genomes Project 30x 0.02717; ESP Exome Variant Server 0.02922.
gnomAD v4.1: 7,086 of 1,613,758 alleles (0.44%); highest among the groups gnomAD compares: African/African-American, 8.4%; 286 homozygotes.

Submissions (3):

Labcorp Genetics (formerly Invitae), Labcorp
Classification: Benign. Last evaluated: 2018-04-10. Review status: criteria provided, single submitter. Criteria: Invitae Variant Classification Sherloc (09022015). Collection method: clinical testing. Allele origin: germline.

Breakthrough Genomics
Classification: Benign. Review status: criteria provided, single submitter. Criteria: ACMG Guidelines, 2015. Collection method: not provided. Allele origin: germline. Inheritance: Autosomal recessive inheritance. Affected: yes.

PreventionGenetics, part of Exact Sciences
Classification: Benign for SLC28A1-related condition. Last evaluated: 2019-11-25. Review status: no assertion criteria provided. Collection method: clinical testing. Allele origin: germline. Not counted in ClinVar's aggregate classification.
Comment: This variant is classified as benign based on ACMG/AMP sequence variant interpretation guidelines (Richards et al. 2015 PMID: 25741868, with internal and published modifications).